The following is an entry in ClinVar:

ClinVar aggregate classification (germline): Likely benign (0 of 4 stars; one submission).

Conditions:
HLA-B-related disorder. Also called: HLA-B-related condition.

Allele frequency attached by ClinVar (database versions not stated): 1000 Genomes Project 30x 0.02811.

Submission:

PreventionGenetics, part of Exact Sciences
Classification: Likely benign for HLA-B-related condition. Last evaluated: 2020-12-17. Review status: no assertion criteria provided. Collection method: clinical testing. Allele origin: germline.
Comment: This variant is classified as likely benign based on ACMG/AMP sequence variant interpretation guidelines (Richards et al. 2015 PMID: 25741868, with internal and published modifications).

NM_005514.8(HLA-B):c.319G>T (p.Gly107Cys)

Gene: HLA-B (major histocompatibility complex, class I, B; minus strand). Cytogenetic location: 6p21.33.
Variant type: single nucleotide variant.
Coding change: c.319G>T on transcript NM_005514.8 (MANE Select); coding-DNA position 319, G replaced by T.
Protein change: p.Gly107Cys; replaces glycine 107 with cysteine.
Molecular consequence: missense variant.
Genome position (GRCh38, 1-based): chr6:31,356,712, C>A on the plus strand (G>T on the coding strand, the complement: HLA-B is on the minus strand). VCF-style: chr6-31356712-C-A. GRCh37 (hg19) VCF-style: chr6-31324489-C-A.
Other names: short protein forms G107C.
Identifiers: ClinVar variation 3056636 (VCV003056636.2), dbSNP rs3180380, ClinGen allele CA3711716.